The following is an entry in ClinVar:

NM_032776.3(JMJD1C):c.1924C>T (p.Pro642Ser)

Gene: JMJD1C (jumonji domain containing 1C; minus strand). Cytogenetic location: 10q21.3.
Variant type: single nucleotide variant.
Coding change: c.1924C>T on transcript NM_032776.3 (MANE Select); coding-DNA position 1924, C replaced by T.
Protein change: p.Pro642Ser; replaces proline 642 with serine.
Molecular consequence: missense variant. On other transcripts: non-coding transcript variant (1).
Genome position (GRCh38, 1-based): chr10:63,214,243, G>A on the plus strand (C>T on the coding strand, the complement: JMJD1C is on the minus strand). VCF-style: chr10-63214243-G-A. GRCh37 (hg19) VCF-style: chr10-64974003-G-A.
Other names: c.1378C>T, p.Pro460Ser (NM_001282948.2, NM_001318154.2); c.1060C>T, p.Pro354Ser (NM_001318153.2); c.1810C>T, p.Pro604Ser (NM_001322252.2); c.1267C>T, p.Pro423Ser (NM_001322254.2, NM_001322258.2); c.1924C>T (NM_032776.1); short protein forms P460S, P354S, P423S, P604S, P642S.
Identifiers: ClinVar variation 1370579 (VCV001370579.7), dbSNP rs374367132, ClinGen allele CA5518719.
Genomic context (GRCh38, chr10:63,214,243, plus strand): 5'-AAGTGGCCTTAGACTTTACAGAATCAGGAGAATGAGTTATTTTGGGTTTAACAACTTCAG[G>A]TGATGGGCTGGATTTTATCTTGTGAGTATCTACTGAAGTATTAAGTTTAGATTTTATAGT-3'
Protein context (NP_116165.1, residues 632-652): DTHKIKSSPS[Pro642Ser]EVVKPKITHS

ClinVar aggregate classification (germline): Uncertain significance. Review status: criteria provided, multiple submitters, no conflicts (2 of 4 stars). 2 submissions from 2 submitters: Uncertain significance (2). Last evaluated 2025-11-27.

Conditions:
Early Myoclonic Encephalopathy. Identifiers: MedGen C0270855.

Allele frequency attached by ClinVar (database versions not stated): gnomAD exomes 0.00002 and 0.00007; TOPMed 0.00002; ExAC 0.00002; gnomAD 0.00002; ESP Exome Variant Server 0.00008.
gnomAD v4.1: 99 of 1,613,868 alleles (0.0061%); highest among the groups gnomAD compares: East Asian, 0.21%; 1 homozygote.

Submissions (2):

Labcorp Genetics (formerly Invitae), Labcorp
Classification: Uncertain significance for Early Myoclonic Encephalopathy. Last evaluated: 2025-11-27. Review status: criteria provided, single submitter. Criteria: Invitae Variant Classification Sherloc (09022015). Collection method: clinical testing. Allele origin: germline.
Comment: This sequence change replaces proline, which is neutral and non-polar, with serine, which is neutral and polar, at codon 642 of the JMJD1C protein (p.Pro642Ser). This variant is present in population databases (rs374367132, gnomAD 0.02%). This variant has not been reported in the literature in individuals affected with JMJD1C-related conditions. ClinVar contains an entry for this variant (Variation ID: 1370579). Invitae Evidence Modeling of protein sequence and biophysical properties (such as structural, functional, and spatial information, amino acid conservation, physicochemical variation, residue mobility, and thermodynamic stability) indicates that this missense variant is not expected to disrupt JMJD1C protein function with a negative predictive value of 80%. In summary, the available evidence is currently insufficient to determine the role of this variant in disease. Therefore, it has been classified as a Variant of Uncertain Significance.

Ambry Genetics
Classification: Uncertain significance. Last evaluated: 2025-09-28. Review status: criteria provided, single submitter. Criteria: Ambry Variant Classification Scheme 2023. Collection method: clinical testing. Allele origin: germline.